The following is an entry in ClinVar:

NM_001242896.3(DEPDC5):c.880C>T (p.Pro294Ser)

Gene: DEPDC5 (DEP domain containing 5, GATOR1 subcomplex subunit; plus strand). Cytogenetic location: 22q12.2.
Variant type: single nucleotide variant.
Coding change: c.880C>T on transcript NM_001242896.3 (MANE Select); coding-DNA position 880, C replaced by T.
Protein change: p.Pro294Ser; replaces proline 294 with serine.
Molecular consequence: missense variant. On other transcripts: non-coding transcript variant (5).
Genome position (GRCh38, 1-based): chr22:31,798,590, C>T. VCF-style: chr22-31798590-C-T. GRCh37 (hg19) VCF-style: chr22-32194576-C-T.
Other names: c.880C>T, p.Pro294Ser (NM_001007188.4, NM_001136029.4, NM_001242897.2 and 7 more transcripts); c.796C>T, p.Pro266Ser (NM_001369901.1, NM_001369902.1); short protein forms P266S, P294S.
Identifiers: ClinVar variation 1033381 (VCV001033381.6), dbSNP rs2086522074, ClinGen allele CA411291522.

ClinVar aggregate classification (germline): Uncertain significance. Review status: criteria provided, multiple submitters, no conflicts (2 of 4 stars). 2 submissions from 2 submitters: Uncertain significance (2). Last evaluated 2022-07-26.

Conditions:
Epilepsy, familial focal, with variable foci 1 (FFEVF1). Also called: DEPDC5-Related Epilepsy. Identifiers: MedGen C4551983, MONDO:0024556, OMIM 604364.
Familial focal epilepsy with variable foci (FPEVF). Identifiers: Orphanet 98820, MedGen C1858477, MONDO:0020310.

Allele frequency attached by ClinVar (database versions not stated): gnomAD exomes below 0.00001.
gnomAD v4.1: 2 of 1,610,382 alleles (0.00012%); highest among the groups gnomAD compares: East Asian, 0.0022%; no homozygotes.

Submissions (2):

Labcorp Genetics (formerly Invitae), Labcorp
Classification: Uncertain significance for Familial focal epilepsy with variable foci. Last evaluated: 2022-07-26. Review status: criteria provided, single submitter. Criteria: Invitae Variant Classification Sherloc (09022015). Collection method: clinical testing. Allele origin: germline.
Comment: In summary, the available evidence is currently insufficient to determine the role of this variant in disease. Therefore, it has been classified as a Variant of Uncertain Significance. Algorithms developed to predict the effect of missense changes on protein structure and function are either unavailable or do not agree on the potential impact of this missense change (SIFT: "Deleterious"; PolyPhen-2: "Not Available"; Align-GVGD: "Class C65"). ClinVar contains an entry for this variant (Variation ID: 1033381). This variant has not been reported in the literature in individuals affected with DEPDC5-related conditions. This variant is not present in population databases (gnomAD no frequency). This sequence change replaces proline, which is neutral and non-polar, with serine, which is neutral and polar, at codon 294 of the DEPDC5 protein (p.Pro294Ser).

Baylor Genetics
Classification: Uncertain significance for Epilepsy, familial focal, with variable foci 1. Last evaluated: 2018-08-22. Review status: criteria provided, single submitter. Criteria: ACMG Guidelines, 2015. Collection method: clinical testing. Allele origin: paternal. Affected: yes.
Comment: This variant was determined to be of uncertain significance according to ACMG Guidelines, 2015 [PMID:25741868].